The following is an entry in ClinVar:

NM_012301.4(MAGI2):c.2516G>A (p.Arg839His)

Gene: MAGI2 (membrane associated guanylate kinase, WW and PDZ domain containing 2; minus strand). Cytogenetic location: 7q21.11.
Variant type: single nucleotide variant.
Coding change: c.2516G>A on transcript NM_012301.4 (MANE Select); coding-DNA position 2516, G replaced by A.
Protein change: p.Arg839His; replaces arginine 839 with histidine.
Molecular consequence: missense variant.
Genome position (GRCh38, 1-based): chr7:78,167,996, C>T on the plus strand (G>A on the coding strand, the complement: MAGI2 is on the minus strand). VCF-style: chr7-78167996-C-T. GRCh37 (hg19) VCF-style: chr7-77797313-C-T.
Other names: c.2474G>A, p.Arg825His (NM_001301128.2); short protein forms R825H, R839H.
Identifiers: ClinVar variation 2398098 (VCV002398098.5), dbSNP rs199553094, ClinGen allele CA4313744.
Genomic context (GRCh38, chr7:78,167,996, plus strand): 5'-CTCACAGTGAGGTTGACCTGCCCATTGCGGGCTGCGTGGTGCATGAGGTCGATGACATAG[C>T]GGTGGGTTTTGCCGGCTACTGGAATCCCATCAACATACACAAGCTCATCTCCTGGGTGAA-3'
Protein context (NP_036433.2, residues 829-849): DGIPVAGKTH[Arg839His]YVIDLMHHAA

ClinVar aggregate classification (germline): Uncertain significance. Review status: criteria provided, multiple submitters, no conflicts (2 of 4 stars). 3 submissions from 3 submitters: Uncertain significance (3). Last evaluated 2025-01-18.

Conditions:
Nephrotic syndrome 15. Identifiers: MedGen C4539896, MONDO:0033262, OMIM 617609.

Allele frequency attached by ClinVar (database versions not stated): TOPMed 0.00003; gnomAD 0.00004; ESP Exome Variant Server 0.00008; gnomAD exomes 0.00008; ExAC 0.00011.
gnomAD v4.1: 116 of 1,614,054 alleles (0.0072%); highest among the groups gnomAD compares: South Asian, 0.071%; no homozygotes.

Submissions (3):

Ambry Genetics
Classification: Uncertain significance. Last evaluated: 2025-01-18. Review status: criteria provided, single submitter. Criteria: Ambry Variant Classification Scheme 2023. Collection method: clinical testing. Allele origin: germline.
Comment: Does not currently meet published gene-disease clinical validity criteria Based on insufficient or conflicting evidence, the clinical significance of this alteration remains unclear.

Blueprint Genetics
Classification: Uncertain significance. Last evaluated: 2024-11-18. Review status: criteria provided, single submitter. Criteria: ACMG Guidelines, 2015. Collection method: clinical testing. Allele origin: germline.

Fulgent Genetics
Classification: Uncertain significance for Nephrotic syndrome 15. Last evaluated: 2024-04-12. Review status: criteria provided, single submitter. Criteria: ACMG Guidelines, 2015. Collection method: clinical testing. Allele origin: germline.

Literature cited by the submitters: PubMed 28106320 (cited by Ambry Genetics).